The following is an entry in ClinVar:

ClinVar aggregate classification (germline): Uncertain significance (1 of 4 stars; one submission).

Conditions:
Atrial fibrillation, familial, 7 (ATFB7). Identifiers: MedGen C2677106, MONDO:0012828, OMIM 612240.

gnomAD v4.1: 5 of 1,614,094 alleles (0.00031%); highest among the groups gnomAD compares: East Asian, 0.0022%; no homozygotes.

Submission:

Labcorp Genetics (formerly Invitae), Labcorp
Classification: Uncertain significance for Atrial fibrillation, familial, 7. Last evaluated: 2024-05-21. Review status: criteria provided, single submitter. Criteria: Invitae Variant Classification Sherloc (09022015). Collection method: clinical testing. Allele origin: germline.
Comment: This sequence change affects codon 329 of the KCNA5 mRNA. It is a 'silent' change, meaning that it does not change the encoded amino acid sequence of the KCNA5 protein. This variant is not present in population databases (gnomAD no frequency). This variant has not been reported in the literature in individuals affected with KCNA5-related conditions. In summary, the available evidence is currently insufficient to determine the role of this variant in disease. Therefore, it has been classified as a Variant of Uncertain Significance.

NM_002234.4(KCNA5):c.987C>T (p.Thr329=)

Gene: KCNA5 (potassium voltage-gated channel subfamily A member 5; plus strand). Cytogenetic location: 12p13.32.
Variant type: single nucleotide variant.
Coding change: c.987C>T on transcript NM_002234.4 (MANE Select); coding-DNA position 987, C replaced by T.
Protein change: p.Thr329=; no amino-acid change (threonine 329 retained).
Molecular consequence: synonymous variant.
Genome position (GRCh38, 1-based): chr12:5,045,134, C>T. VCF-style: chr12-5045134-C-T. GRCh37 (hg19) VCF-style: chr12-5154300-C-T.
Identifiers: ClinVar variation 3627961 (VCV003627961.2).